The following is an entry in ClinVar:

NM_001276270.2(MBD4):c.1013C>A (p.Ser338Ter)

Gene: MBD4 (methyl-CpG binding domain 4, DNA glycosylase; minus strand). Cytogenetic location: 3q21.3.
Variant type: single nucleotide variant.
Coding change: c.1013C>A on transcript NM_001276270.2 (MANE Select); coding-DNA position 1013, C replaced by A.
Protein change: p.Ser338Ter; replaces serine 338 with a stop codon.
Molecular consequence: nonsense. On other transcripts: intron variant (1).
Genome position (GRCh38, 1-based): chr3:129,436,631, G>T on the plus strand (C>A on the coding strand, the complement: MBD4 is on the minus strand). VCF-style: chr3-129436631-G-T. GRCh37 (hg19) VCF-style: chr3-129155474-G-T.
Other names: c.1013C>A, p.Ser338Ter (NM_001276271.2, NM_001276272.2, NM_003925.3); c.247+1177C>A (NM_001276273.2); short protein forms S338*.
Identifiers: ClinVar variation 4876098 (VCV004876098.1).

ClinVar aggregate classification (germline): Pathogenic (1 of 4 stars; one submission).

Conditions:
Tumor predisposition syndrome 2 (TPDS2). Also called: MBD4-ASSOCIATED NEOPLASIA SYNDROME; MBD4-Related Tumor Predisposition Syndrome; MBD4-associated neoplasia syndrome (MANS). Identifiers: Orphanet 661526, MedGen C5774186, MONDO:0859267, OMIM 619975.

Submission:

Myriad Genetics, Inc.
Classification: Pathogenic for Tumor predisposition syndrome 2. Last evaluated: 2026-06-24. Review status: criteria provided, single submitter. Criteria: Myriad Autosomal Dominant, Autosomal Recessive and X-Linked Classification Criteria (2023). Collection method: clinical testing. Allele origin: unknown.
Comment: This variant is considered pathogenic. This variant creates a termination codon and is predicted to result in premature protein truncation.